The following is an entry in ClinVar:

NM_001041.4(SI):c.3502C>T (p.Leu1168Phe)

Gene: SI (sucrase-isomaltase; minus strand). Cytogenetic location: 3q26.1.
Variant type: single nucleotide variant.
Coding change: c.3502C>T on transcript NM_001041.4 (MANE Select); coding-DNA position 3502, C replaced by T.
Protein change: p.Leu1168Phe; replaces leucine 1168 with phenylalanine.
Molecular consequence: missense variant.
Genome position (GRCh38, 1-based): chr3:165,017,988, G>A on the plus strand (C>T on the coding strand, the complement: SI is on the minus strand). VCF-style: chr3-165017988-G-A. GRCh37 (hg19) VCF-style: chr3-164735776-G-A.
Other names: short protein forms L1168F.
Identifiers: ClinVar variation 2724114 (VCV002724114.3), dbSNP rs1248728801, ClinGen allele CA355038635.

ClinVar aggregate classification (germline): Uncertain significance (1 of 4 stars; one submission).

Allele frequency attached by ClinVar (database versions not stated): gnomAD exomes below 0.00001.
gnomAD v4.1: 1 of 1,609,612 alleles (0.000062%); highest among the groups gnomAD compares: Non-Finnish European, 0.000085%; no homozygotes.

Submission:

Labcorp Genetics (formerly Invitae), Labcorp
Classification: Uncertain significance. Last evaluated: 2023-06-22. Review status: criteria provided, single submitter. Criteria: Invitae Variant Classification Sherloc (09022015). Collection method: clinical testing. Allele origin: germline.
Comment: This variant is present in population databases (no rsID available, gnomAD 0.0009%). This variant has not been reported in the literature in individuals affected with SI-related conditions. Advanced modeling of protein sequence and biophysical properties (such as structural, functional, and spatial information, amino acid conservation, physicochemical variation, residue mobility, and thermodynamic stability) has been performed at Invitae for this missense variant, however the output from this modeling did not meet the statistical confidence thresholds required to predict the impact of this variant on SI protein function. In summary, the available evidence is currently insufficient to determine the role of this variant in disease. Therefore, it has been classified as a Variant of Uncertain Significance. This sequence change replaces leucine, which is neutral and non-polar, with phenylalanine, which is neutral and non-polar, at codon 1168 of the SI protein (p.Leu1168Phe).